The following is an entry in ClinVar:

NM_000038.6(APC):c.3394G>T (p.Glu1132Ter)

Gene: APC (APC regulator of Wnt signaling pathway; plus strand). Cytogenetic location: 5q22.2.
Variant type: single nucleotide variant.
Coding change: c.3394G>T on transcript NM_000038.6 (MANE Select); coding-DNA position 3394, G replaced by T.
Protein change: p.Glu1132Ter; replaces glutamic acid 1132 with a stop codon.
Molecular consequence: nonsense. On other transcripts: non-coding transcript variant (2).
Genome position (GRCh38, 1-based): chr5:112,838,988, G>T. VCF-style: chr5-112838988-G-T. GRCh37 (hg19) VCF-style: chr5-112174685-G-T.
Other names: c.3394G>T, p.Glu1132Ter (NM_001127510.3, NM_001354895.2, NM_001407450.1); c.3340G>T, p.Glu1114Ter (NM_001127511.3); c.3448G>T, p.Glu1150Ter (NM_001354896.2, NM_001407447.1, NM_001407448.1 and 1 more transcripts); c.3424G>T, p.Glu1142Ter (NM_001354897.2); c.3319G>T, p.Glu1107Ter (NM_001354898.2); c.3310G>T, p.Glu1104Ter (NM_001354899.2); c.3271G>T, p.Glu1091Ter (NM_001354900.2); c.3217G>T, p.Glu1073Ter (NM_001354901.2, NM_001407453.1); and 11 more; short protein forms E1107*, E1125*, E1132*, E1160*, E1041*, E1091*, E1122*, E748*.
Identifiers: ClinVar variation 3653024 (VCV003653024.2).

ClinVar aggregate classification (germline): Pathogenic (1 of 4 stars; one submission).

Conditions:
Familial adenomatous polyposis 1 (FAP1). Also called: FAMILIAL ADENOMATOUS POLYPOSIS 1, ATTENUATED; POLYPOSIS, ADENOMATOUS INTESTINAL. Identifiers: MedGen C2713442, MONDO:0021056, OMIM 175100. Disease mechanism: loss of function.

Submission:

Labcorp Genetics (formerly Invitae), Labcorp
Classification: Pathogenic for Familial adenomatous polyposis 1. Last evaluated: 2024-05-24. Review status: criteria provided, single submitter. Criteria: Invitae Variant Classification Sherloc (09022015). Collection method: clinical testing. Allele origin: germline.
Comment: This sequence change creates a premature translational stop signal (p.Glu1132*) in the APC gene. While this is not anticipated to result in nonsense mediated decay, it is expected to disrupt the last 1712 amino acid(s) of the APC protein. This variant is not present in population databases (gnomAD no frequency). This premature translational stop signal has been observed in individual(s) with familial adenomatous polyposis (PMID: 11950808). This variant is expected to disrupt the EB1 and HDLG binding sites, which mediate interactions with the cytoskeleton (PMID: 15311282, 17293347). While functional studies have not been performed to directly test the effect on APC protein function, this suggests that disruption of the C-terminal portion of the protein is functionally important. A different truncation (p.Tyr2645Lysfs*14) that lies downstream of this variant has been determined to be pathogenic (PMID: 9824584, 1316610, 27081525, 8381579, 22135120, Invitae). This suggests that deletion of this region of the APC protein is causative of disease. For these reasons, this variant has been classified as Pathogenic.

Literature cited by the submitters: PubMed 11950808; PubMed 15311282; PubMed 17293347; PubMed 9824584; PubMed 1316610; PubMed 27081525; PubMed 8381579; PubMed 22135120.